The following is an entry in ClinVar:

ClinVar aggregate classification (germline): Uncertain significance (1 of 4 stars; one submission).

Conditions:
Ullrich congenital muscular dystrophy 2 (UCMD2). Identifiers: Orphanet 75840, MedGen C4225314, MONDO:0014654, OMIM 616470.
Bethlem myopathy 2 (BTHLM2). Identifiers: Orphanet 536516, Orphanet 610, MedGen C4225313, MONDO:0034022, OMIM 616471.

Submission:

Labcorp Genetics (formerly Invitae), Labcorp
Classification: Uncertain significance for Bethlem myopathy 2; Ullrich congenital muscular dystrophy 2. Last evaluated: 2021-08-01. Review status: criteria provided, single submitter. Criteria: Invitae Variant Classification Sherloc (09022015). Collection method: clinical testing. Allele origin: germline.
Comment: This sequence change replaces glycine with cysteine at codon 2806 of the COL12A1 protein (p.Gly2806Cys). The glycine residue is highly conserved and there is a large physicochemical difference between glycine and cysteine. This variant is not present in population databases (ExAC no frequency). This missense change has been observed in individual(s) with clinical features of autosomal dominant COL12A1-related conditions (Invitae). Algorithms developed to predict the effect of missense changes on protein structure and function are either unavailable or do not agree on the potential impact of this missense change (SIFT: "Deleterious"; PolyPhen-2: "Probably Damaging"; Align-GVGD: "Class C0"). Algorithms developed to predict the effect of sequence changes on RNA splicing suggest that this variant may disrupt the consensus splice site. In summary, the available evidence is currently insufficient to determine the role of this variant in disease. Therefore, it has been classified as a Variant of Uncertain Significance.

NM_004370.6(COL12A1):c.8416G>T (p.Gly2806Cys)

Gene: COL12A1 (collagen type XII alpha 1 chain; minus strand). Cytogenetic location: 6q13.
Variant type: single nucleotide variant.
Coding change: c.8416G>T on transcript NM_004370.6 (MANE Select); coding-DNA position 8416, G replaced by T.
Protein change: p.Gly2806Cys; replaces glycine 2806 with cysteine.
Molecular consequence: missense variant.
Genome position (GRCh38, 1-based): chr6:75,102,052, C>A on the plus strand (G>T on the coding strand, the complement: COL12A1 is on the minus strand). VCF-style: chr6-75102052-C-A. GRCh37 (hg19) VCF-style: chr6-75811768-C-A.
Other names: c.4924G>T, p.Gly1642Cys (NM_080645.3); short protein forms G1642C, G2806C.
Identifiers: ClinVar variation 1437662 (VCV001437662.6), dbSNP rs2149343509, ClinGen allele CA364739366.